The following is an entry in ClinVar:

ClinVar aggregate classification (germline): Uncertain significance. Review status: criteria provided, multiple submitters, no conflicts (2 of 4 stars). 2 submissions from 2 submitters: Uncertain significance (2). Last evaluated 2026-03-09.

Conditions:
Primary ciliary dyskinesia 28. Also called: CILIARY DYSKINESIA, PRIMARY, 28, WITH OR WITHOUT SITUS INVERSUS. Identifiers: Orphanet 244, MedGen C3809706, MONDO:0014216, OMIM 615505.
Primary ciliary dyskinesia. Also called: Ciliary dyskinesia. Identifiers: Orphanet 244, MedGen C0008780, MONDO:0016575, HP:0012265.

Allele frequency attached by ClinVar (database versions not stated): TOPMed 0.00002; ExAC 0.00003; gnomAD 0.00003.
gnomAD v4.1: 52 of 1,577,612 alleles (0.0033%); highest among the groups gnomAD compares: South Asian, 0.015%; no homozygotes.

Submissions (2):

Ambry Genetics
Classification: Uncertain significance for Primary ciliary dyskinesia. Last evaluated: 2026-03-09. Review status: criteria provided, single submitter. Criteria: Ambry Variant Classification Scheme 2023. Collection method: clinical testing. Allele origin: germline.
Comment: The p.V45M variant (also known as c.133G>A), located in coding exon 1 of the SPAG1 gene, results from a G to A substitution at nucleotide position 133. The valine at codon 45 is replaced by methionine, an amino acid with highly similar properties. This amino acid position is conserved. In addition, this alteration is predicted to be tolerated by in silico analysis. Based on the available evidence, the clinical significance of this variant remains unclear.

Labcorp Genetics (formerly Invitae), Labcorp
Classification: Uncertain significance for Primary ciliary dyskinesia 28. Last evaluated: 2021-10-11. Review status: criteria provided, single submitter. Criteria: Invitae Variant Classification Sherloc (09022015). Collection method: clinical testing. Allele origin: germline.
Comment: This variant is present in population databases (rs764448315, ExAC 0.02%). In summary, the available evidence is currently insufficient to determine the role of this variant in disease. Therefore, it has been classified as a Variant of Uncertain Significance. Algorithms developed to predict the effect of missense changes on protein structure and function are either unavailable or do not agree on the potential impact of this missense change (SIFT: "Deleterious"; PolyPhen-2: "Probably Damaging"; Align-GVGD: "Class C0"). This variant has not been reported in the literature in individuals affected with SPAG1-related conditions. This sequence change replaces valine with methionine at codon 45 of the SPAG1 protein (p.Val45Met). The valine residue is moderately conserved and there is a small physicochemical difference between valine and methionine.

NM_003114.5(SPAG1):c.133G>A (p.Val45Met)

Gene: SPAG1 (sperm associated antigen 1; plus strand). Cytogenetic location: 8q22.2.
Variant type: single nucleotide variant.
Coding change: c.133G>A on transcript NM_003114.5 (MANE Select); coding-DNA position 133, G replaced by A.
Protein change: p.Val45Met; replaces valine 45 with methionine.
Molecular consequence: missense variant.
Genome position (GRCh38, 1-based): chr8:100,162,413, G>A. VCF-style: chr8-100162413-G-A. GRCh37 (hg19) VCF-style: chr8-101174641-G-A.
Other names: c.133G>A (NM_172218.2); c.133G>A, p.Val45Met (NM_001374321.1, NM_172218.3); short protein forms V45M.
Identifiers: ClinVar variation 1426706 (VCV001426706.7), dbSNP rs764448315, ClinGen allele CA4827181.